The following is an entry in ClinVar:

ClinVar aggregate classification (germline): Uncertain significance (1 of 4 stars; one submission).

Conditions:
Leber congenital amaurosis 2 (LCA2). Also called: Autosomal Recessive RPE65-Related Retinal Degeneration; AMAUROSIS CONGENITA OF LEBER II. Identifiers: Orphanet 65, MedGen C1859844, MONDO:0008765, OMIM 204100. Disease mechanism: loss of function.
Retinitis pigmentosa 20 (RP20). Identifiers: Orphanet 791, MedGen C3151086, MONDO:0013425, OMIM 613794.

Allele frequency attached by ClinVar (database versions not stated): gnomAD exomes below 0.00001; ExAC 0.00001; gnomAD 0.00001.
gnomAD v4.1: 1 of 1,614,070 alleles (0.000062%); highest among the groups gnomAD compares: Non-Finnish European, 0.000085%; no homozygotes.

Submission:

Labcorp Genetics (formerly Invitae), Labcorp
Classification: Uncertain significance for Leber congenital amaurosis 2; Retinitis pigmentosa 20. Last evaluated: 2023-06-30. Review status: criteria provided, single submitter. Criteria: Invitae Variant Classification Sherloc (09022015). Collection method: clinical testing. Allele origin: germline.
Comment: This sequence change replaces glutamine, which is neutral and polar, with leucine, which is neutral and non-polar, at codon 165 of the RPE65 protein (p.Gln165Leu). The frequency data for this variant in the population databases is considered unreliable, as metrics indicate poor data quality at this position in the gnomAD database. In summary, the available evidence is currently insufficient to determine the role of this variant in disease. Therefore, it has been classified as a Variant of Uncertain Significance. Algorithms developed to predict the effect of sequence changes on RNA splicing suggest that this variant may disrupt the consensus splice site. An algorithm developed to predict the effect of missense changes on protein structure and function (PolyPhen-2) suggests that this variant is likely to be tolerated. ClinVar contains an entry for this variant (Variation ID: 1517930). This variant has not been reported in the literature in individuals affected with RPE65-related conditions.

NM_000329.3(RPE65):c.494A>T (p.Gln165Leu)

Gene: RPE65 (retinoid isomerohydrolase RPE65; minus strand). Cytogenetic location: 1p31.3.
Variant type: single nucleotide variant.
Coding change: c.494A>T on transcript NM_000329.3 (MANE Select); coding-DNA position 494, A replaced by T.
Protein change: p.Gln165Leu; replaces glutamine 165 with leucine.
Molecular consequence: missense variant.
Genome position (GRCh38, 1-based): chr1:68,444,532, T>A on the plus strand (A>T on the coding strand, the complement: RPE65 is on the minus strand). VCF-style: chr1-68444532-T-A. GRCh37 (hg19) VCF-style: chr1-68910215-T-A.
Other names: short protein forms Q165L.
Identifiers: ClinVar variation 1517930 (VCV001517930.8), dbSNP rs745338004, ClinGen allele CA902498.